The following is an entry in ClinVar:

NM_001110556.2(FLNA):c.5478C>A (p.Gly1826=)

Gene: FLNA (filamin A; minus strand). Cytogenetic location: Xq28.
Variant type: single nucleotide variant.
Coding change: c.5478C>A on transcript NM_001110556.2 (MANE Select); coding-DNA position 5478, C replaced by A.
Protein change: p.Gly1826=; no amino-acid change (glycine 1826 retained).
Molecular consequence: synonymous variant.
Genome position (GRCh38, 1-based): chrX:154,354,230, G>T on the plus strand (C>A on the coding strand, the complement: FLNA is on the minus strand). VCF-style: chrX-154354230-G-T. GRCh37 (hg19) VCF-style: chrX-153582598-G-T.
Other names: c.5454C>A, p.Gly1818= (NM_001456.4).
Identifiers: ClinVar variation 3348480 (VCV003348480.1).

ClinVar aggregate classification (germline): Likely benign (0 of 4 stars; one submission).

Conditions:
FLNA-related disorder.

Submission:

PreventionGenetics, part of Exact Sciences
Classification: Likely benign for FLNA-related condition. Last evaluated: 2024-07-24. Review status: no assertion criteria provided. Collection method: clinical testing. Allele origin: germline.
Comment: This variant is classified as likely benign based on ACMG/AMP sequence variant interpretation guidelines (Richards et al. 2015 PMID: 25741868, with internal and published modifications).